The following is an entry in ClinVar:

ClinVar aggregate classification (germline): Conflicting classifications of pathogenicity. Review status: criteria provided, conflicting classifications (1 of 4 stars). 2 submissions from 2 submitters: Likely pathogenic (1); Uncertain significance (1). Last evaluated 2025-01-24.

Conditions:
Acyl-CoA oxidase deficiency. Also called: STRAIGHT-CHAIN ACYL-CoA OXIDASE DEFICIENCY; Pseudoneonatal adrenoleukodystrophy; Peroxisomal acyl-CoA oxidase deficiency. Identifiers: Orphanet 2971, MedGen C1849678, MONDO:0009919, OMIM 264470. Disease mechanism: loss of function.

Allele frequency attached by ClinVar (database versions not stated): ExAC 0.00001; gnomAD 0.00002; TOPMed 0.00002; ESP Exome Variant Server 0.00008.
gnomAD v4.1: 20 of 1,613,918 alleles (0.0012%); highest among the groups gnomAD compares: African/African-American, 0.004%; no homozygotes.

Submissions (2):

3billion
Classification: Uncertain significance for Acyl-CoA oxidase deficiency. Last evaluated: 2025-01-24. Review status: criteria provided, single submitter. Criteria: ACMG Guidelines, 2015. Collection method: clinical testing. Allele origin: germline. Affected: yes.
Comment: The variant is observed at an extremely low frequency in the gnomAD v4.1.0 dataset (total allele frequency: 0.001%). Predicted Consequence/Location: Missense variant. The majority of the known disease-causing variants of this gene are variants expected to result in premature termination of the protein. In silico tool predictions suggest damaging effect of the variant on gene or gene product [REVEL: 0.56 (>=0.6, sensitivity 0.68 and specificity 0.92); 3Cnet: 0.87 (>=0.6, sensitivity 0.72 and precision 0.9)]. The same nucleotide change resulting in the same amino acid change has been previously reported to be associated with ACOX1-related disorder (ClinVar ID: VCV002771318). However, the evidence of pathogenicity is insufficient at this time. Therefore, this variant is classified as VUS according to the recommendation of ACMG/AMP guideline.

Labcorp Genetics (formerly Invitae), Labcorp
Classification: Likely pathogenic for Acyl-CoA oxidase deficiency. Last evaluated: 2023-10-18. Review status: criteria provided, single submitter. Criteria: Invitae Variant Classification Sherloc (09022015). Collection method: clinical testing. Allele origin: germline.
Comment: This sequence change replaces arginine, which is basic and polar, with histidine, which is basic and polar, at codon 210 of the ACOX1 protein (p.Arg210His). This variant is present in population databases (rs372701360, gnomAD 0.007%). This missense change has been observed in individual(s) with autosomal recessive peroxisomal acyl-CoA oxidase deficiency (PMID: 20185470). Advanced modeling of protein sequence and biophysical properties (such as structural, functional, and spatial information, amino acid conservation, physicochemical variation, residue mobility, and thermodynamic stability) performed at Invitae indicates that this missense variant is expected to disrupt ACOX1 protein function. In summary, the currently available evidence indicates that the variant is pathogenic, but additional data are needed to prove that conclusively. Therefore, this variant has been classified as Likely Pathogenic.

Literature cited by the submitters: PubMed 20185470 (cited by Labcorp Genetics (formerly Invitae), Labcorp).

NM_004035.7(ACOX1):c.629G>A (p.Arg210His)

Gene: ACOX1 (acyl-CoA oxidase 1; minus strand). Cytogenetic location: 17q25.1.
Variant type: single nucleotide variant.
Coding change: c.629G>A on transcript NM_004035.7 (MANE Select); coding-DNA position 629, G replaced by A.
Protein change: p.Arg210His; replaces arginine 210 with histidine.
Molecular consequence: missense variant.
Genome position (GRCh38, 1-based): chr17:75,955,857, C>T on the plus strand (G>A on the coding strand, the complement: ACOX1 is on the minus strand). VCF-style: chr17-75955857-C-T. GRCh37 (hg19) VCF-style: chr17-73951938-C-T.
Other names: c.515G>A, p.Arg172His (NM_001185039.2); c.629G>A, p.Arg210His (NM_007292.6); short protein forms R172H, R210H.
Identifiers: ClinVar variation 2771318 (VCV002771318.4), dbSNP rs372701360, ClinGen allele CA8776969.
Genomic context (GRCh38, chr17:75,955,857, plus strand): 5'-TTCATCTCAACATCAGATGAACAGTTCTTACCTGGCAAAGGCTTATGGGTCCCGATTTCA[C>T]GAATAGGTACGATAAAGGCATGTAATCCATAGCATTTCCCCTTAGTGATGAGCTGGGCAA-3'
Protein context (NP_004026.2, residues 200-220): YGLHAFIVPI[Arg210His]EIGTHKPLPG